The following is an entry in ClinVar:

NM_000370.3(TTPA):c.2T>A (p.Met1Lys)

Gene: TTPA (alpha tocopherol transfer protein; minus strand). Cytogenetic location: 8q12.3.
Variant type: single nucleotide variant.
Coding change: c.2T>A on transcript NM_000370.3 (MANE Select); coding-DNA position 2, T replaced by A.
Protein change: p.Met1Lys; changes the start codon (methionine 1).
Molecular consequence: missense variant, initiator codon variant.
Genome position (GRCh38, 1-based): chr8:63,086,020, A>T on the plus strand (T>A on the coding strand, the complement: TTPA is on the minus strand). VCF-style: chr8-63086020-A-T. GRCh37 (hg19) VCF-style: chr8-63998579-A-T.
Other names: short protein forms M1K.
Identifiers: ClinVar variation 371454 (VCV000371454.15), dbSNP rs786204758, ClinGen allele CA16041185.

ClinVar aggregate classification (germline): Pathogenic/Likely pathogenic. Review status: criteria provided, multiple submitters, no conflicts (2 of 4 stars). 5 submissions from 5 submitters: Pathogenic (2); Likely pathogenic (2). 1 of the submissions does not count toward it. Last evaluated 2025-12-29.

Conditions:
TTPA-related disorder. Also called: TTPA-related condition.
Familial isolated deficiency of vitamin E (AVED). Also called: Ataxia with isolated vitamin E deficiency; ATAXIA, FRIEDREICH-LIKE, WITH SELECTIVE VITAMIN E DEFICIENCY. Identifiers: Orphanet 96, MedGen C1848533, MONDO:0010188, OMIM 277460.

Allele frequency attached by ClinVar (database versions not stated): TOPMed 0.00001.

Submissions (5):

Myriad Genetics, Inc.
Classification: Pathogenic for Familial isolated deficiency of vitamin E. Last evaluated: 2025-12-29. Review status: criteria provided, single submitter. Criteria: Myriad Autosomal Dominant, Autosomal Recessive and X-Linked Classification Criteria (2023). Collection method: clinical testing. Allele origin: unknown.
Comment: NM_000370.3(TTPA):c.2T>A(M1?) is an initiation codon variant classified as pathogenic in the context of ataxia with vitamin E deficiency. M1? has been observed in a case with relevant disease (PMID: 39528284). Relevant functional assessments of this variant are not available in the literature. M1? has not been observed in referenced population frequency databases. In summary, NM_000370.3(TTPA):c.2T>A(M1?) is an initiation codon variant that has been observed more frequently in cases with the relevant disease than in healthy populations. Please note: this variant was assessed in the context of healthy population screening.

Labcorp Genetics (formerly Invitae), Labcorp
Classification: Pathogenic. Last evaluated: 2024-03-11. Review status: criteria provided, single submitter. Criteria: Invitae Variant Classification Sherloc (09022015). Collection method: clinical testing. Allele origin: germline.
Comment: This sequence change affects the initiator methionine of the TTPA mRNA. The next in-frame methionine is located at codon 209. This variant is not present in population databases (gnomAD no frequency). Disruption of the initiator codon has been observed in individuals with ataxia with isolated vitamin E deficiency (PMID: 10360777, 31970222). ClinVar contains an entry for this variant (Variation ID: 371454). This variant disrupts the p.Ala120 amino acid residue in TTPA. Other variant(s) that disrupt this residue have been determined to be pathogenic (PMID: 9463307, 19566498). This suggests that this residue is clinically significant, and that variants that disrupt this residue are likely to be disease-causing. For these reasons, this variant has been classified as Pathogenic.

Fulgent Genetics
Classification: Likely pathogenic for Familial isolated deficiency of vitamin E. Last evaluated: 2024-01-05. Review status: criteria provided, single submitter. Criteria: ACMG Guidelines, 2015. Collection method: clinical testing. Allele origin: germline.

Blueprint Genetics
Classification: Likely pathogenic for TTPA-related disorders. Last evaluated: 2022-10-25. Review status: criteria provided, single submitter. Criteria: ACMG Guidelines, 2015. Collection method: clinical testing. Allele origin: germline. Affected: yes. Observed: 1 variant allele.

Counsyl
Classification: Likely pathogenic for Familial isolated deficiency of vitamin E. Last evaluated: 2016-09-28. Review status: no assertion criteria provided. Collection method: clinical testing. Allele origin: unknown. Not counted in ClinVar's aggregate classification.

Literature cited by the submitters: PubMed 39528284 (cited by Myriad Genetics, Inc.); PubMed 10360777 (cited by Labcorp Genetics (formerly Invitae), Labcorp); PubMed 31970222 (cited by Labcorp Genetics (formerly Invitae), Labcorp); PubMed 9463307 (cited by Labcorp Genetics (formerly Invitae), Labcorp); PubMed 19566498 (cited by Labcorp Genetics (formerly Invitae), Labcorp).